The following is an entry in ClinVar:

ClinVar aggregate classification (germline): Pathogenic. Review status: criteria provided, single submitter (1 of 4 stars). 3 submissions from 3 submitters: Pathogenic (1). 2 of the submissions do not count toward it. Last evaluated 2024-10-23.

Conditions:
Alzheimer disease 4 (AD4). Identifiers: Orphanet 1020, MedGen C1847200, MONDO:0011743, OMIM 606889.

Submissions (3):

Labcorp Genetics (formerly Invitae), Labcorp
Classification: Pathogenic for Alzheimer disease 4. Last evaluated: 2024-10-23. Review status: criteria provided, single submitter. Criteria: Invitae Variant Classification Sherloc (09022015). Collection method: clinical testing. Allele origin: germline.
Comment: This sequence change replaces methionine, which is neutral and non-polar, with valine, which is neutral and non-polar, at codon 239 of the PSEN2 protein (p.Met239Val). This variant is not present in population databases (gnomAD no frequency). This missense change has been observed in individuals with early-onset Alzheimer disease (PMID: 15055444, 34389718). It has also been observed to segregate with disease in related individuals. ClinVar contains an entry for this variant (Variation ID: 8846). Invitae Evidence Modeling of protein sequence and biophysical properties (such as structural, functional, and spatial information, amino acid conservation, physicochemical variation, residue mobility, and thermodynamic stability) indicates that this missense variant is not expected to disrupt PSEN2 protein function with a negative predictive value of 80%. For these reasons, this variant has been classified as Pathogenic.

OMIM
Classification: Pathogenic for ALZHEIMER DISEASE, FAMILIAL, 4. Last evaluated: 1995-08-31. Review status: no assertion criteria provided. Collection method: literature only. Allele origin: germline. Not counted in ClinVar's aggregate classification.

VIB  Department of Molecular Genetics, University of Antwerp
No classification provided. Review status: no classification provided. Collection method: not provided. Allele origin: not provided. Not counted in ClinVar's aggregate classification.

Literature cited by the submitters: PubMed 15055444 (cited by Labcorp Genetics (formerly Invitae), Labcorp); PubMed 34389718 (cited by Labcorp Genetics (formerly Invitae), Labcorp); PubMed 7651536 (cited by OMIM).

NM_000447.3(PSEN2):c.715A>G (p.Met239Val)

Gene: PSEN2 (presenilin 2; plus strand). Cytogenetic location: 1q42.13.
Variant type: single nucleotide variant.
Coding change: c.715A>G on transcript NM_000447.3 (MANE Select); coding-DNA position 715, A replaced by G.
Protein change: p.Met239Val; replaces methionine 239 with valine.
Molecular consequence: missense variant.
Genome position (GRCh38, 1-based): chr1:226,888,977, A>G. VCF-style: chr1-226888977-A-G. GRCh37 (hg19) VCF-style: chr1-227076678-A-G.
Other names: c.715A>G, p.Met239Val (NM_012486.3); short protein forms M239V.
Identifiers: ClinVar variation 8846 (VCV000008846.6), dbSNP rs28936379, ClinGen allele CA224957.